The following is an entry in ClinVar:

ClinVar aggregate classification (germline): Pathogenic (1 of 4 stars; one submission).

Conditions:
Salla disease (SD). Also called: Less Severe FSASD (Salla Disease); Sialuria, Finnish type; N-acetylneuraminic acid (NANA) storage disease (NSD); Infantile sialic acid storage disorder (ISSD). Identifiers: Orphanet 309334, Orphanet 834, MedGen C1096903, MONDO:0011449, OMIM 604369.

Allele frequency attached by ClinVar (database versions not stated): TOPMed 0.00001.

Submission:

Labcorp Genetics (formerly Invitae), Labcorp
Classification: Pathogenic for Salla disease. Last evaluated: 2022-06-29. Review status: criteria provided, single submitter. Criteria: Invitae Variant Classification Sherloc (09022015). Collection method: clinical testing. Allele origin: germline.
Comment: This sequence change creates a premature translational stop signal (p.Trp110*) in the SLC17A5 gene. It is expected to result in an absent or disrupted protein product. Loss-of-function variants in SLC17A5 are known to be pathogenic (PMID: 10581036, 10947946, 15172001). This variant is not present in population databases (gnomAD no frequency). For these reasons, this variant has been classified as Pathogenic. This variant has not been reported in the literature in individuals affected with SLC17A5-related conditions.

Literature cited by the submitters: PubMed 10581036; PubMed 10947946; PubMed 15172001.

NM_012434.5(SLC17A5):c.329G>A (p.Trp110Ter)

Genes: SLC17A5 (solute carrier family 17 member 5; minus strand), LOC132089454 (Neanderthal introgressed variant-containing enhancer experimental_94412; plus strand). Cytogenetic location: 6q13.
Variant type: single nucleotide variant.
Coding change: c.329G>A on transcript NM_012434.5 (MANE Select); coding-DNA position 329, G replaced by A.
Protein change: p.Trp110Ter; replaces tryptophan 110 with a stop codon.
Molecular consequence: nonsense.
Genome position (GRCh38, 1-based): chr6:73,641,887, C>T on the plus strand (G>A on the coding strand, the complement: SLC17A5 is on the minus strand). VCF-style: chr6-73641887-C-T. GRCh37 (hg19) VCF-style: chr6-74351610-C-T.
Other names: c.98G>A, p.Trp33Ter (NM_001382629.1, NM_001382636.1); c.329G>A, p.Trp110Ter (NM_001382630.1, NM_001382632.1, NM_001382633.1 and 2 more transcripts); c.350G>A, p.Trp117Ter (NM_001382631.1); short protein forms W33*, W117*, W110*.
Identifiers: ClinVar variation 2005981 (VCV002005981.4), dbSNP rs1769303765, ClinGen allele CA364718302.